The following is an entry in ClinVar:

NR_023317.1(RNU7-1):n.35G>A

Genes: C12orf57 (chromosome 12 open reading frame 57; plus strand), RNU7-1 (RNA, U7 small nuclear 1; plus strand). Cytogenetic location: 12p13.31.
Variant type: single nucleotide variant.
Molecular consequence: non-coding transcript variant (on NR_023317.1). On other transcripts: intron variant (2).
Genome position: GRCh38 VCF-style: chr12-6943850-G-A. GRCh37 (hg19) VCF-style: chr12-7053013-G-A.
Other names: 35G-A; c.13+188G>A (NM_001301836.2); c.-16+188G>A (NM_001301834.1).
Identifiers: ClinVar variation 1202615 (VCV001202615.3), dbSNP rs1055698058, ClinGen allele CA232435276.

ClinVar aggregate classification (germline): Likely pathogenic. Review status: criteria provided, single submitter (1 of 4 stars). 2 submissions from 2 submitters: Likely pathogenic (1). 1 of the submissions does not count toward it. Last evaluated 2024-09-11.

Conditions:
Aicardi-Goutieres syndrome 9. Identifiers: MedGen C5561966, MONDO:0030362, OMIM 619487.
Spasticity. Identifiers: MedGen C0026838, HP:0001257.

gnomAD v4.1: 45 of 896,030 alleles (0.005%); highest among the groups gnomAD compares: East Asian, 0.016%; 1 homozygote.

Submissions (2):

Clinical Genetics Laboratory, Skane University Hospital Lund
Classification: Likely pathogenic for Spasticity. Last evaluated: 2024-09-11. Review status: criteria provided, single submitter. Criteria: ACMG Guidelines, 2015. Collection method: clinical testing. Allele origin: germline. Inheritance: Autosomal recessive inheritance. Affected: yes.
Comment: PS4_Moderate (PMID: 33230297), PM1 (PMID: 16547514), PM3 (in trans with NR_023317.1(RNU7-1):n.28C>T), BS2 (1 homozygous in gnomAD v4.1.0)

OMIM
Classification: Pathogenic for AICARDI-GOUTIERES SYNDROME 9. Last evaluated: 2021-08-16. Review status: no assertion criteria provided. Collection method: literature only. Allele origin: germline. Not counted in ClinVar's aggregate classification.

Literature cited by the submitters: PubMed 33230297 (cited by OMIM).